The following is an entry in ClinVar:

ClinVar aggregate classification (germline): Uncertain significance (1 of 4 stars; one submission).

Conditions:
Combined immunodeficiency due to DOCK8 deficiency (HIES2). Also called: HIES autosomal recessive; HYPER-IgE RECURRENT INFECTION SYNDROME 2, AUTOSOMAL RECESSIVE; DOCK8 Deficiency; HYPER-IgE SYNDROME 2, AUTOSOMAL RECESSIVE, WITH RECURRENT INFECTIONS; Hyper-IgE recurrent infection syndrome, autosomal recessive. Identifiers: Orphanet 217390, MedGen C4722305, MONDO:0009478, OMIM 243700.

Allele frequency attached by ClinVar (database versions not stated): TOPMed 0.00001.

Submission:

Labcorp Genetics (formerly Invitae), Labcorp
Classification: Uncertain significance for Combined immunodeficiency due to DOCK8 deficiency. Last evaluated: 2022-03-04. Review status: criteria provided, single submitter. Criteria: Invitae Variant Classification Sherloc (09022015). Collection method: clinical testing. Allele origin: germline.
Comment: This sequence change replaces methionine, which is neutral and non-polar, with isoleucine, which is neutral and non-polar, at codon 1440 of the DOCK8 protein (p.Met1440Ile). This variant is not present in population databases (gnomAD no frequency). This variant has not been reported in the literature in individuals affected with DOCK8-related conditions. Algorithms developed to predict the effect of missense changes on protein structure and function (SIFT, PolyPhen-2, Align-GVGD) all suggest that this variant is likely to be tolerated. In summary, the available evidence is currently insufficient to determine the role of this variant in disease. Therefore, it has been classified as a Variant of Uncertain Significance.

NM_203447.4(DOCK8):c.4320G>T (p.Met1440Ile)

Gene: DOCK8 (dedicator of cytokinesis 8; plus strand). Cytogenetic location: 9p24.3.
Variant type: single nucleotide variant.
Coding change: c.4320G>T on transcript NM_203447.4 (MANE Select); coding-DNA position 4320, G replaced by T.
Protein change: p.Met1440Ile; replaces methionine 1440 with isoleucine.
Molecular consequence: missense variant.
Genome position (GRCh38, 1-based): chr9:426,963, G>T. VCF-style: chr9-426963-G-T. GRCh37 (hg19) VCF-style: chr9-426963-G-T.
Other names: c.4020G>T, p.Met1340Ile (NM_001190458.2); c.4116G>T, p.Met1372Ile (NM_001193536.2); short protein forms M1340I, M1372I, M1440I.
Identifiers: ClinVar variation 1434866 (VCV001434866.6), dbSNP rs1270488295, ClinGen allele CA372765868.